The following is an entry in ClinVar:

ClinVar aggregate classification (germline): Uncertain significance (1 of 4 stars; one submission).

Conditions:
Autosomal recessive distal spinal muscular atrophy 2. Also called: NEUROPATHY, DISTAL HEREDITARY MOTOR, AUTOSOMAL RECESSIVE 2; NEURONOPATHY, DISTAL HEREDITARY MOTOR, JERASH TYPE; NEUROPATHY, DISTAL HEREDITARY MOTOR, JERASH TYPE; SPINAL MUSCULAR ATROPHY, JERASH TYPE; Hereditary motor neuropathy, Jerash type; Motor neuropathy, distal, Jerash type. Identifiers: Orphanet 139552, MedGen C1854023, MONDO:0011585, OMIM 605726.
Amyotrophic lateral sclerosis type 16. Also called: AMYOTROPHIC LATERAL SCLEROSIS 16, JUVENILE. Identifiers: Orphanet 300605, MedGen C3280587, MONDO:0013715, OMIM 614373.

Submission:

Labcorp Genetics (formerly Invitae), Labcorp
Classification: Uncertain significance for Autosomal recessive distal spinal muscular atrophy 2; Amyotrophic lateral sclerosis type 16. Last evaluated: 2022-03-15. Review status: criteria provided, single submitter. Criteria: Invitae Variant Classification Sherloc (09022015). Collection method: clinical testing. Allele origin: germline.
Comment: In summary, the available evidence is currently insufficient to determine the role of this variant in disease. Therefore, it has been classified as a Variant of Uncertain Significance. Algorithms developed to predict the effect of sequence changes on RNA splicing suggest that this variant may disrupt the consensus splice site. Algorithms developed to predict the effect of missense changes on protein structure and function are either unavailable or do not agree on the potential impact of this missense change (SIFT: "Tolerated"; PolyPhen-2: "Probably Damaging"; Align-GVGD: "Class C0"). This variant has not been reported in the literature in individuals affected with SIGMAR1-related conditions. This variant is not present in population databases (gnomAD no frequency). This sequence change replaces valine, which is neutral and non-polar, with alanine, which is neutral and non-polar, at codon 104 of the SIGMAR1 protein (p.Val104Ala).

NM_005866.4(SIGMAR1):c.311T>C (p.Val104Ala)

Gene: SIGMAR1 (sigma receptor chaperone 1; minus strand). Cytogenetic location: 9p13.3.
Variant type: single nucleotide variant.
Coding change: c.311T>C on transcript NM_005866.4 (MANE Select); coding-DNA position 311, T replaced by C.
Protein change: p.Val104Ala; replaces valine 104 with alanine.
Molecular consequence: missense variant. On other transcripts: intron variant (2).
Genome position (GRCh38, 1-based): chr9:34,637,261, A>G on the plus strand (T>C on the coding strand, the complement: SIGMAR1 is on the minus strand). VCF-style: chr9-34637261-A-G. GRCh37 (hg19) VCF-style: chr9-34637258-A-G.
Other names: c.311T>C, p.Val104Ala (NM_001282205.2, NM_001282208.2, NM_147157.3); c.251T>C, p.Val84Ala (NM_001282207.2); c.305+6T>C (NM_001282209.2); c.52+6T>C (NM_001282206.2); short protein forms V104A, V84A.
Identifiers: ClinVar variation 1951576 (VCV001951576.5), dbSNP rs2492823785, ClinGen allele CA373274593.
Genomic context (GRCh38, chr9:34,637,261, plus strand): 5'-GCCCGCCGCTAGCACTGACCCGAGTGGCCGCGGGAGCCCAAGGCGGTGCCGAAGAGCAGC[A>G]CATACTCGGACAGCGAGGCGTGCAGAAGGCACATGGCGCCCATCCAGCCACCCGCATTCA-3'
Protein context (NP_005857.1, residues 94-114): CLLHASLSEY[Val104Ala]LLFGTALGSR